The following is an entry in ClinVar:

ClinVar aggregate classification (germline): Uncertain significance (1 of 4 stars; one submission).

Submission:

CeGaT Center for Human Genetics Tuebingen
Classification: Uncertain significance. Last evaluated: 2024-02-01. Review status: criteria provided, single submitter. Criteria: CeGaT Center For Human Genetics Tuebingen Variant Classification Criteria Version 2. Collection method: clinical testing. Allele origin: germline. Affected: yes. Observed: 1 variant allele.
Comment: KCNN2: PM2

NM_001372233.1(KCNN2):c.52C>T (p.Pro18Ser)

Gene: KCNN2 (potassium calcium-activated channel subfamily N member 2; plus strand). Cytogenetic location: 5q22.3.
Variant type: single nucleotide variant.
Coding change: c.52C>T on transcript NM_001372233.1; coding-DNA position 52, C replaced by T.
Protein change: p.Pro18Ser; replaces proline 18 with serine.
Molecular consequence: missense variant.
Genome position (GRCh38, 1-based): chr5:114,361,993, C>T. VCF-style: chr5-114361993-C-T. GRCh37 (hg19) VCF-style: chr5-113697690-C-T.
Other names: short protein forms P18S.
Identifiers: ClinVar variation 3027297 (VCV003027297.20), dbSNP rs2531548394, ClinGen allele CA2740094014.